The following is an entry in ClinVar:

ClinVar aggregate classification (germline): Uncertain significance (1 of 4 stars; one submission).

Conditions:
Congenital hyperammonemia, type I. Also called: Carbamoyl phosphate synthetase I deficiency disease; CPS I DEFICIENCY; Carbamoyl phosphate synthetase 1 deficiency; Hyperammonemia due to carbamoyl phosphate synthetase 1 deficiency; CPS 1 deficiency; Carbamyl phosphate synthetase (CPS) deficiency. Identifiers: Orphanet 147, MedGen C4082171, MONDO:0009376, OMIM 237300.

Allele frequency attached by ClinVar (database versions not stated): gnomAD exomes below 0.00001; gnomAD 0.00001; ExAC 0.00002.
gnomAD v4.1: 5 of 1,605,680 alleles (0.00031%); highest among the groups gnomAD compares: East Asian, 0.0089%; no homozygotes.

Submission:

Labcorp Genetics (formerly Invitae), Labcorp
Classification: Uncertain significance for Congenital hyperammonemia, type I. Last evaluated: 2021-04-10. Review status: criteria provided, single submitter. Criteria: Invitae Variant Classification Sherloc (09022015). Collection method: clinical testing. Allele origin: germline.
Comment: This sequence change falls in intron 30 of the CPS1 gene. It does not directly change the encoded amino acid sequence of the CPS1 protein. It affects a nucleotide within the consensus splice site of the intron. This variant is present in population databases (rs766539621, ExAC 0.02%). This variant has not been reported in the literature in individuals with CPS1-related conditions. Nucleotide substitutions within the consensus splice site are a relatively common cause of aberrant splicing (PMID: 17576681, 9536098). Algorithms developed to predict the effect of sequence changes on RNA splicing suggest that this variant may disrupt the consensus splice site, but this prediction has not been confirmed by published transcriptional studies. In summary, the available evidence is currently insufficient to determine the role of this variant in disease. Therefore, it has been classified as a Variant of Uncertain Significance.

Literature cited by the submitters: PubMed 17576681; PubMed 9536098.

NM_001875.5(CPS1):c.3666+4A>G

Gene: CPS1 (carbamoyl-phosphate synthase 1; plus strand). Cytogenetic location: 2q34.
Variant type: single nucleotide variant.
Coding change: c.3666+4A>G on transcript NM_001875.5 (MANE Select); 4 bases into the intron after coding-DNA position 3666, A replaced by G.
Molecular consequence: intron variant.
Genome position (GRCh38, 1-based): chr2:210,656,636, A>G. VCF-style: chr2-210656636-A-G. GRCh37 (hg19) VCF-style: chr2-211521360-A-G.
Other names: c.3666+4A>G (NM_001369257.1, NM_001122633.3); c.3699+4A>G (NM_001369256.1).
Identifiers: ClinVar variation 2415960 (VCV002415960.3), dbSNP rs766539621, ClinGen allele CA2087029.